The following is an entry in ClinVar:

NM_000512.5(GALNS):c.871G>A (p.Ala291Thr)

Gene: GALNS (galactosamine (N-acetyl)-6-sulfatase; minus strand). Cytogenetic location: 16q24.3.
Variant type: single nucleotide variant.
Coding change: c.871G>A on transcript NM_000512.5 (MANE Select); coding-DNA position 871, G replaced by A.
Protein change: p.Ala291Thr; replaces alanine 291 with threonine.
Molecular consequence: missense variant.
Genome position (GRCh38, 1-based): chr16:88,835,240, C>T on the plus strand (G>A on the coding strand, the complement: GALNS is on the minus strand). VCF-style: chr16-88835240-C-T. GRCh37 (hg19) VCF-style: chr16-88901648-C-T.
Other names: c.316G>A, p.Ala106Thr (NM_001323543.2); c.889G>A, p.Ala297Thr (NM_001323544.2); short protein forms A291T, A106T, A297T.
Identifiers: ClinVar variation 707 (VCV000000707.19), dbSNP rs118204448, ClinGen allele CA251570.

ClinVar aggregate classification (germline): Pathogenic/Likely pathogenic. Review status: criteria provided, multiple submitters, no conflicts (2 of 4 stars). 7 submissions from 7 submitters: Pathogenic (3); Likely pathogenic (2). 2 of the submissions do not count toward it. Last evaluated 2023-07-29.

Conditions:
Morquio syndrome. Also called: Mucopolysaccharidosis, Type IV; MPS IV; Mucopolysaccharidosis type 4; Eccentrochondrodysplasia. Identifiers: Orphanet 582, MedGen C0026707, MONDO:0018938.
Mucopolysaccharidosis, MPS-IV-A (MPS4A). Also called: GALACTOSAMINE-6-SULFATASE DEFICIENCY; GALNS DEFICIENCY; MPS IVA; Mucopolysaccharidosis type IV A; Morquio syndrome A, mild; MORQUIO A DISEASE. Identifiers: Orphanet 309297, Orphanet 582, MedGen C0086651, MONDO:0009659, OMIM 253000.

Allele frequency attached by ClinVar (database versions not stated): gnomAD 0.00002 and 0.00003; TOPMed 0.00001; gnomAD exomes 0.00001.
gnomAD v4.1: 13 of 1,598,686 alleles (0.00081%); highest among the groups gnomAD compares: African/African-American, 0.004%; no homozygotes.

Submissions (7):

Labcorp Genetics (formerly Invitae), Labcorp
Classification: Pathogenic for Mucopolysaccharidosis, MPS-IV-A. Last evaluated: 2023-07-29. Review status: criteria provided, single submitter. Criteria: Invitae Variant Classification Sherloc (09022015). Collection method: clinical testing. Allele origin: germline.
Comment: For these reasons, this variant has been classified as Pathogenic. This variant disrupts the p.Ala291 amino acid residue in GALNS. Other variant(s) that disrupt this residue have been observed in individuals with GALNS-related conditions (PMID: 16287098, 25252036), which suggests that this may be a clinically significant amino acid residue. Experimental studies have shown that this missense change affects GALNS function (PMID: 12721840). Advanced modeling of protein sequence and biophysical properties (such as structural, functional, and spatial information, amino acid conservation, physicochemical variation, residue mobility, and thermodynamic stability) performed at Invitae indicates that this missense variant is expected to disrupt GALNS protein function. ClinVar contains an entry for this variant (Variation ID: 707). This missense change has been observed in individual(s) with mucopolysaccharidosis type IV (PMID: 7633425, 12721840, 15235041, 20574428). It has also been observed to segregate with disease in related individuals. This variant is not present in population databases (gnomAD no frequency). This sequence change replaces alanine, which is neutral and non-polar, with threonine, which is neutral and polar, at codon 291 of the GALNS protein (p.Ala291Thr).

Women's Health and Genetics/Laboratory Corporation of America, LabCorp
Classification: Pathogenic for Morquio syndrome. Last evaluated: 2023-05-08. Review status: criteria provided, single submitter. Criteria: LabCorp Variant Classification Summary - May 2015. Collection method: clinical testing. Allele origin: germline.
Comment: Variant summary: GALNS c.871G>A (p.Ala291Thr) results in a non-conservative amino acid change located in the Sulfatase, N-terminal domain (IPR000917) of the encoded protein sequence. Five of five in-silico tools predict a damaging effect of the variant on protein function. The variant was absent in 229188 control chromosomes. c.871G>A has been reported in the literature as biallelic homozygous or compound heterozygous genotypes in multiple individuals affected with Mucopolysaccharidosis Type IVA (Morquio Syndrome A) (example, Bunge_1997, Montao_2003, Tomatsu_2004, Bidchol_2014). These data indicate that the variant is very likely to be associated with disease. At least one publication reports experimental evidence evaluating an impact on protein function (Montao_2003). The most pronounced variant effect results in non-detectable lysosomal enzyme N-acetylgalactosamine-6-sulfate sulfatase activity in vitro. The following publications have been ascertained in the context of this evaluation (PMID: 25252036, 9298823, 12721840, 15235041). Three clinical diagnostic laboratories have submitted clinical-significance assessments for this variant to ClinVar after 2014 without evidence for independent evaluation. All laboratories classified the variant as pathogenic/likely pathogenic. Based on the evidence outlined above, the variant was classified as pathogenic.

Revvity Omics, Revvity
Classification: Pathogenic for Mucopolysaccharidosis, MPS-IV-A. Last evaluated: 2023-04-03. Review status: criteria provided, single submitter. Criteria: ACMG Guidelines, 2015. Collection method: clinical testing. Allele origin: germline.

Genome-Nilou Lab
Classification: Likely pathogenic for Mucopolysaccharidosis, MPS-IV-A. Last evaluated: 2021-11-07. Review status: criteria provided, single submitter. Criteria: ACMG Guidelines, 2015. Collection method: clinical testing. Allele origin: germline. Affected: no.

Laboratory of Diagnosis and Therapy of Lysosomal Disorders, University of Padova
Classification: Likely pathogenic for Mucopolysaccharidosis, MPS-IV-A. Last evaluated: 2021-02-01. Review status: criteria provided, single submitter. Criteria: ACMG Guidelines, 2015. Collection method: curation. Allele origin: germline. Affected: yes.
Comment: In vitro and in vivo functional studies supportive of a damaging effect on the gene product (low in vitro enzymatic activity; low to null enzymatic activity in homozygotes; PS3_strong); the prevalence of the variant in affected individuals is significantly increased compared with the prevalence in controls (PS4_moderate); absent from gnomAD v2.1.1 (PM2_moderate); multiple lines of computational evidence support a deleterious effect on the gene (PP3_supporting)

OMIM
Classification: Pathogenic for MUCOPOLYSACCHARIDOSIS, TYPE IVA. Last evaluated: 2003-07-01. Review status: no assertion criteria provided. Collection method: literature only. Allele origin: germline. Not counted in ClinVar's aggregate classification.

Molecular Biology Laboratory, Department of Zoology, Quaid-i-azam University
Classification: Pathogenic for Mucopolysaccharidosis, MPS-IV-A. Review status: no assertion criteria provided. Collection method: research. Allele origin: inherited. Affected: yes. Not counted in ClinVar's aggregate classification.

Literature cited by the submitters: PubMed 16287098 (cited by Labcorp Genetics (formerly Invitae), Labcorp and Laboratory of Diagnosis and Therapy of Lysosomal Disorders, University of Padova); PubMed 25252036 (cited by 3 submitters); PubMed 12721840 (cited by 4 submitters); PubMed 7633425 (cited by Labcorp Genetics (formerly Invitae), Labcorp and Laboratory of Diagnosis and Therapy of Lysosomal Disorders, University of Padova); PubMed 15235041 (cited by 3 submitters); PubMed 20574428 (cited by Labcorp Genetics (formerly Invitae), Labcorp and Laboratory of Diagnosis and Therapy of Lysosomal Disorders, University of Padova); PubMed 9298823 (cited by Women's Health and Genetics/Laboratory Corporation of America, LabCorp and Laboratory of Diagnosis and Therapy of Lysosomal Disorders, University of Padova); PubMed 24726177 (cited by Laboratory of Diagnosis and Therapy of Lysosomal Disorders, University of Padova); PubMed 34387910 (cited by Laboratory of Diagnosis and Therapy of Lysosomal Disorders, University of Padova).